The following is an entry in ClinVar:

NM_004006.3(DMD):c.*1447A>G

Gene: DMD (dystrophin; minus strand). Cytogenetic location: Xp21.2.
Variant type: single nucleotide variant.
Coding change: c.*1447A>G on transcript NM_004006.3 (MANE Select); 1447 bases downstream of the stop codon, A replaced by G.
Molecular consequence: 3 prime UTR variant.
Genome position (GRCh38, 1-based): chrX:31,120,472, T>C on the plus strand (A>G on the coding strand, the complement: DMD is on the minus strand). VCF-style: chrX-31120472-T-C. GRCh37 (hg19) VCF-style: chrX-31138589-T-C.
Other names: c.*1447A>G (NM_000109.4, NM_004009.3, NM_004010.3 and 7 more transcripts); c.*1361A>G (NM_004016.3, NM_004018.3, NM_004021.3 and 2 more transcripts).
Identifiers: ClinVar variation 368213 (VCV000368213.6), dbSNP rs3361, ClinGen allele CA10651830.

ClinVar aggregate classification (germline): Benign. Review status: criteria provided, multiple submitters, no conflicts (2 of 4 stars). 2 submissions from 2 submitters: Benign (2). Last evaluated 2018-01-12.

Conditions:
Dilated cardiomyopathy 3B (CMD3B). Also called: CMD3B: DMD-Related Dilated Cardiomyopathy; CARDIOMYOPATHY, DILATED, X-LINKED; DMD-Associated Dilated Cardiomyopathy. Identifiers: Orphanet 154, MedGen C3668940, MONDO:0010542, OMIM 302045.

Allele frequency attached by ClinVar (database versions not stated): gnomAD 0.33963 and 0.34706; 1000 Genomes Project 0.35417; TOPMed 0.35454; 1000 Genomes Project 30x 0.35692.
gnomAD v4.1: 37,574 of 110,946 alleles (34%); highest among the groups gnomAD compares: African/African-American, 60%; 5,687 homozygotes.

Submissions (2):

Illumina Laboratory Services, Illumina
Classification: Benign for Dilated cardiomyopathy 3B. Last evaluated: 2018-01-12. Review status: criteria provided, single submitter. Criteria: ICSL Variant Classification Criteria 13 December 2019. Collection method: clinical testing. Allele origin: germline.
Comment: This variant was observed in the ICSL laboratory as part of a predisposition screen in an ostensibly healthy population. It had not been previously curated by ICSL or reported in the Human Gene Mutation Database (HGMD: prior to June 1st, 2018), and was therefore a candidate for classification through an automated scoring system. Utilizing variant allele frequency, disease prevalence and penetrance estimates, and inheritance mode, an automated score was calculated to assess if this variant is too frequent to cause the disease. Based on the score and internal cut-off values, a variant classified as benign is not then subjected to further curation. The score for this variant resulted in a classification of benign for this disease.

Breakthrough Genomics
Classification: Benign. Review status: criteria provided, single submitter. Criteria: ACMG Guidelines, 2015. Collection method: not provided. Allele origin: germline. Inheritance: X-linked inheritance. Affected: yes.